The following is an entry in ClinVar:

NM_004006.3(DMD):c.163G>T (p.Glu55Ter)

Gene: DMD (dystrophin; minus strand). Cytogenetic location: Xp21.1.
Variant type: single nucleotide variant.
Coding change: c.163G>T on transcript NM_004006.3 (MANE Select); coding-DNA position 163, G replaced by T.
Protein change: p.Glu55Ter; replaces glutamic acid 55 with a stop codon.
Molecular consequence: nonsense. On other transcripts: 5 prime UTR variant (1).
Genome position (GRCh38, 1-based): chrX:32,849,751, C>A on the plus strand (G>T on the coding strand, the complement: DMD is on the minus strand). VCF-style: chrX-32849751-C-A. GRCh37 (hg19) VCF-style: chrX-32867868-C-A.
Other names: c.139G>T, p.Glu47Ter (NM_000109.4); c.151G>T, p.Glu51Ter (NM_004009.3); c.-207G>T (NM_004010.3); short protein forms E47*, E51*, E55*.
Identifiers: ClinVar variation 1322556 (VCV001322556.6), dbSNP rs1603448406, ClinGen allele CA412674861.

ClinVar aggregate classification (germline): Pathogenic (1 of 4 stars; one submission).

Conditions:
Duchenne muscular dystrophy (DMD). Also called: MUSCULAR DYSTROPHY, PSEUDOHYPERTROPHIC PROGRESSIVE, DUCHENNE TYPE; Duchenne Muscular Dystrophy (DMD). Identifiers: Orphanet 98896, MedGen C0013264, MONDO:0010679, OMIM 310200.

Submission:

Labcorp Genetics (formerly Invitae), Labcorp
Classification: Pathogenic for Duchenne muscular dystrophy. Last evaluated: 2022-06-21. Review status: criteria provided, single submitter. Criteria: Invitae Variant Classification Sherloc (09022015). Collection method: clinical testing. Allele origin: germline.
Comment: For these reasons, this variant has been classified as Pathogenic. ClinVar contains an entry for this variant (Variation ID: 1322556). This premature translational stop signal has been observed in individual(s) with Becker muscular dystrophy (PMID: 19783145). This variant is not present in population databases (gnomAD no frequency). This sequence change creates a premature translational stop signal (p.Glu55*) in the DMD gene. It is expected to result in an absent or disrupted protein product. Loss-of-function variants in DMD are known to be pathogenic (PMID: 16770791, 25007885).

Literature cited by the submitters: PubMed 19783145; PubMed 16770791; PubMed 25007885.